The following is an entry in ClinVar:

ClinVar aggregate classification (germline): Uncertain significance (1 of 4 stars; one submission).

Allele frequency attached by ClinVar (database versions not stated): TOPMed 0.00001.

Submission:

Ambry Genetics
Classification: Uncertain significance. Last evaluated: 2025-08-30. Review status: criteria provided, single submitter. Criteria: Ambry Variant Classification Scheme 2023. Collection method: clinical testing. Allele origin: germline.
Comment: The p.L457S variant (also known as c.1370T>C), located in coding exon 11 of the RECQL gene, results from a T to C substitution at nucleotide position 1370. The leucine at codon 457 is replaced by serine, an amino acid with dissimilar properties. This amino acid position is highly conserved in available vertebrate species. In addition, the in silico prediction for this alteration is inconclusive. Since supporting evidence is limited at this time, the clinical significance of this alteration remains unclear.

NM_002907.4(RECQL):c.1370T>C (p.Leu457Ser)

Gene: RECQL (RecQ like helicase; minus strand). Cytogenetic location: 12p12.1.
Variant type: single nucleotide variant.
Coding change: c.1370T>C on transcript NM_002907.4 (MANE Select); coding-DNA position 1370, T replaced by C.
Protein change: p.Leu457Ser; replaces leucine 457 with serine.
Molecular consequence: missense variant.
Genome position (GRCh38, 1-based): chr12:21,473,628, A>G on the plus strand (T>C on the coding strand, the complement: RECQL is on the minus strand). VCF-style: chr12-21473628-A-G. GRCh37 (hg19) VCF-style: chr12-21626562-A-G.
Other names: c.1370T>C, p.Leu457Ser (NM_032941.3); short protein forms L457S.
Identifiers: ClinVar variation 1771040 (VCV001771040.3), dbSNP rs1007904090, ClinGen allele CA233567487.
Genomic context (GRCh38, chr12:21,473,628, plus strand): 5'-TTATCGCACATTTTGTTACATGCTTCTGAGTTCCATACTTCATCAAAATGTTGAGCCATC[A>G]ACACACGACGACATCTGCAAACACATTTAAAGATACAAATTATTAAAGGATATAATAAAG-3'
Protein context (NP_002898.2, residues 447-467): CQNISKCRRV[Leu457Ser]MAQHFDEVWN